The following is an entry in ClinVar:

ClinVar aggregate classification (germline): Uncertain significance (1 of 4 stars; one submission).

Conditions:
Fibrous dysplasia of jaw (CRBM). Also called: Cherubism. Identifiers: Orphanet 184, MedGen C0008029, MONDO:0007315, OMIM 118400.

Allele frequency attached by ClinVar (database versions not stated): gnomAD exomes below 0.00001 and 0.00001; ExAC 0.00002.
gnomAD v4.1: 8 of 1,591,538 alleles (0.0005%); highest among the groups gnomAD compares: South Asian, 0.0091%; no homozygotes.

Submission:

Labcorp Genetics (formerly Invitae), Labcorp
Classification: Uncertain significance for Fibrous dysplasia of jaw. Last evaluated: 2025-09-28. Review status: criteria provided, single submitter. Criteria: Invitae Variant Classification Sherloc (09022015). Collection method: clinical testing. Allele origin: germline.
Comment: This sequence change replaces glutamic acid, which is acidic and polar, with lysine, which is basic and polar, at codon 190 of the SH3BP2 protein (p.Glu190Lys). The frequency data for this variant in the population databases is considered unreliable, as metrics indicate poor data quality at this position in the gnomAD database. This variant has not been reported in the literature in individuals affected with SH3BP2-related conditions. ClinVar contains an entry for this variant (Variation ID: 939563). Invitae Evidence Modeling of protein sequence and biophysical properties (such as structural, functional, and spatial information, amino acid conservation, physicochemical variation, residue mobility, and thermodynamic stability) indicates that this missense variant is not expected to disrupt SH3BP2 protein function with a negative predictive value of 80%. In summary, the available evidence is currently insufficient to determine the role of this variant in disease. Therefore, it has been classified as a Variant of Uncertain Significance.

NM_001122681.2(SH3BP2):c.568G>A (p.Glu190Lys)

Gene: SH3BP2 (SH3 domain binding protein 2; plus strand). Cytogenetic location: 4p16.3.
Variant type: single nucleotide variant.
Coding change: c.568G>A on transcript NM_001122681.2 (MANE Select); coding-DNA position 568, G replaced by A.
Protein change: p.Glu190Lys; replaces glutamic acid 190 with lysine.
Molecular consequence: missense variant.
Genome position (GRCh38, 1-based): chr4:2,827,656, G>A. VCF-style: chr4-2827656-G-A. GRCh37 (hg19) VCF-style: chr4-2829383-G-A.
Other names: c.652G>A, p.Glu218Lys (NM_001145855.2); c.739G>A, p.Glu247Lys (NM_001145856.2); c.568G>A, p.Glu190Lys (NM_003023.4); short protein forms E190K, E218K, E247K.
Identifiers: ClinVar variation 939563 (VCV000939563.9), dbSNP rs761070963, ClinGen allele CA2819243.